The following is an entry in ClinVar:

NM_000256.3(MYBPC3):c.1565C>T (p.Ala522Val)

Gene: MYBPC3 (myosin binding protein C3; minus strand). Cytogenetic location: 11p11.2.
Variant type: single nucleotide variant.
Coding change: c.1565C>T on transcript NM_000256.3 (MANE Select); coding-DNA position 1565, C replaced by T.
Protein change: p.Ala522Val; replaces alanine 522 with valine.
Molecular consequence: missense variant.
Genome position (GRCh38, 1-based): chr11:47,342,637, G>A on the plus strand (C>T on the coding strand, the complement: MYBPC3 is on the minus strand). VCF-style: chr11-47342637-G-A. GRCh37 (hg19) VCF-style: chr11-47364188-G-A.
Other names: short protein forms A522V.
Identifiers: ClinVar variation 264356 (VCV000264356.25), dbSNP rs370362589, ClinGen allele CA078174.

ClinVar aggregate classification (germline): Conflicting classifications of pathogenicity. Review status: criteria provided, conflicting classifications (1 of 4 stars). 8 submissions from 8 submitters: Uncertain significance (7); Likely benign (1). Last evaluated 2025-12-29.

Conditions:
MYBPC3-related disorder. Also called: MYBPC3-related disorders; MYBPC3-related condition; MYBPC3-related disease.
Cardiovascular phenotype. Identifiers: MedGen CN230736.
Hypertrophic cardiomyopathy 4. Also called: Familial hypertrophic cardiomyopathy 4. Identifiers: MedGen C1861862, MONDO:0007268, OMIM 115197.
Left ventricular noncompaction 10 (LVNC10). Identifiers: Orphanet 154, Orphanet 54260, MedGen C3715165, MONDO:0014163, OMIM 615396.
Cardiomyopathy (CMYO). Also called: Cardiomyopathies. Identifiers: Orphanet 167848, MedGen C0878544, MONDO:0004994, HP:0001638. Inheritance: Various modes of inheritance.
Hypertrophic cardiomyopathy. Also called: HYPERTROPHIC MYOCARDIOPATHY. Identifiers: Orphanet 217569, MedGen C0007194, MeSH D002312, MONDO:0005045, HP:0001639.

Allele frequency attached by ClinVar (database versions not stated): ExAC 0.00002; gnomAD exomes 0.00002; TOPMed 0.00006; ESP Exome Variant Server 0.00008; gnomAD 0.00009; 1000 Genomes Project 30x 0.00016; 1000 Genomes Project 0.00020.
gnomAD v4.1: 39 of 1,613,942 alleles (0.0024%); highest among the groups gnomAD compares: African/African-American, 0.024%; no homozygotes.

Submissions (8):

PreventionGenetics, part of Exact Sciences
Classification: Uncertain significance for MYBPC3-related condition. Last evaluated: 2025-12-29. Review status: criteria provided, single submitter. Criteria: ACMG Guidelines, 2015. Collection method: clinical testing. Allele origin: germline.
Comment: The MYBPC3 c.1565C>T variant is predicted to result in the amino acid substitution p.Ala522Val. This variant has been reported as uncertain in individuals with hypertrophic cardiomyopathy (Millat et al. 2010. PubMed ID: 20800588; Table S1, Seidelmann et al. 2017. PubMed ID: 28087566; Supplemental Table 1, Ho et al. 2018. PubMed ID: 30297972). It has also been reported in a participant of the Jackson Heart Study though their affected status was not detailed (Table S3, Bick et al. 2012. PubMed ID: 22958901). This variant is reported in 0.021% of alleles in individuals of African descent in gnomAD and is interpreted as uncertain in ClinVar (Variation ID: 264356). At this time, the clinical significance of this variant is uncertain due to the absence of conclusive functional and genetic evidence.

Ambry Genetics
Classification: Uncertain significance for Cardiovascular phenotype. Last evaluated: 2025-12-09. Review status: criteria provided, single submitter. Criteria: Ambry Variant Classification Scheme 2023. Collection method: clinical testing. Allele origin: germline.
Comment: The c.1565C>T (p.A522V) alteration is located in exon 17 (coding exon 17) of the MYBPC3 gene. This alteration results from a C to T substitution at nucleotide position 1565, causing the alanine (A) at amino acid position 522 to be replaced by a valine (V). Based on data from gnomAD, the T allele has an overall frequency of 0.002% (6/280462) total alleles studied. The highest observed frequency was 0.021% (5/24188) of African alleles. Based on insufficient or conflicting evidence, the clinical significance of this alteration remains unclear.

Labcorp Genetics (formerly Invitae), Labcorp
Classification: Uncertain significance for Hypertrophic cardiomyopathy. Last evaluated: 2025-12-01. Review status: criteria provided, single submitter. Criteria: Invitae Variant Classification Sherloc (09022015). Collection method: clinical testing. Allele origin: germline.
Comment: This sequence change replaces alanine, which is neutral and non-polar, with valine, which is neutral and non-polar, at codon 522 of the MYBPC3 protein (p.Ala522Val). This variant is present in population databases (rs370362589, gnomAD 0.02%). This missense change has been observed in individual(s) with hypertrophic cardiomyopathy (PMID: 20800588, 30297972). ClinVar contains an entry for this variant (Variation ID: 264356). An algorithm developed to predict the effect of missense changes on protein structure and function (PolyPhen-2) suggests that this variant is likely to be tolerated. In summary, the available evidence is currently insufficient to determine the role of this variant in disease. Therefore, it has been classified as a Variant of Uncertain Significance.

Color Diagnostics, LLC DBA Color Health
Classification: Uncertain significance for Cardiomyopathy. Last evaluated: 2025-07-11. Review status: criteria provided, single submitter. Criteria: ACMG Guidelines, 2015. Collection method: clinical testing. Allele origin: germline.
Comment: This missense variant replaces alanine with valine at codon 522 of the MYBPC3 protein. Computational prediction suggests that this variant may not impact protein structure and function. To our knowledge, functional studies have not been reported for this variant. This variant has been reported in individuals affected with hypertrophic cardiomyopathy (PMID: 20800588, 28771489, 30297972, 33495597). This variant has been identified in 6/280462 chromosomes in the general population by the Genome Aggregation Database (gnomAD). The available evidence is insufficient to determine the role of this variant in disease conclusively. Therefore, this variant is classified as a Variant of Uncertain Significance.

GeneDx
Classification: Uncertain significance. Last evaluated: 2025-02-21. Review status: criteria provided, single submitter. Criteria: GeneDx Variant Classification Process June 2021. Collection method: clinical testing. Allele origin: germline. Affected: yes.
Comment: Reported in individuals with hypertrophic cardiomyopathy or left ventricular wall thickness; however, detailed clinical information was not provided (PMID: 22958901, 28087566, 30297972); In silico analysis indicates that this missense variant does not alter protein structure/function; This variant is associated with the following publications: (PMID: 22958901, 28087566, 30297972)

Blueprint Genetics
Classification: Likely benign. Last evaluated: 2020-05-20. Review status: criteria provided, single submitter. Criteria: ACMG Guidelines, 2015. Collection method: clinical testing. Allele origin: germline.

Laboratory for Molecular Medicine, Mass General Brigham Personalized Medicine
Classification: Uncertain significance. Last evaluated: 2016-04-14. Review status: criteria provided, single submitter. Criteria: LMM Criteria. Collection method: clinical testing. Allele origin: germline. Observed: 1 variant allele.
Comment: The p.Ala522Val variant in MYBPC3 has not been previously reported in individual s with cardiomyopathy, but has been identified in 2/9788 African chromosomes by the Exome Aggregation Consortium (ExAC; dbSNP rs 370362589). Alanine (Ala) at position 522 is poorly conserved in evolution and t he change to valine (Val) was predicted to be benign using a computational tool clinically validated by our laboratory. This tool's benign prediction is estimat ed to be correct 89% of the time (Jordan 2011). In summary, the clinical signifi cance of the p.Ala522Val variant is uncertain.

Center for Genomics, Ann and Robert H. Lurie Children's Hospital of Chicago
Classification: Uncertain significance for Hypertrophic cardiomyopathy 4; Left ventricular noncompaction 10. Review status: criteria provided, single submitter. Criteria: ACMG Guidelines, 2015. Collection method: clinical testing. Allele origin: germline.
Comment: MYBPC3 NM_000256.3 exon 16 p.Ala522Val (c.1565C>T): This variant has not been reported in the literature but is present in 4/23998 African alleles in the Genome Aggregation Database. This variant is present in ClinVar (Variation ID: 264356). Evolutionary conservation and computational predictive tools suggest that this variant may not impact the protein. In summary, data on this variant is insufficient for disease classification. Therefore, the clinical significance of this variant is uncertain.

Literature cited by the submitters: PubMed 20800588 (cited by Labcorp Genetics (formerly Invitae), Labcorp and Color Diagnostics, LLC DBA Color Health); PubMed 30297972 (cited by Labcorp Genetics (formerly Invitae), Labcorp and Color Diagnostics, LLC DBA Color Health); PubMed 28771489 (cited by Color Diagnostics, LLC DBA Color Health); PubMed 33495597 (cited by Color Diagnostics, LLC DBA Color Health).